The following is an entry in ClinVar:

ClinVar aggregate classification (germline): Pathogenic (1 of 4 stars; one submission).

Conditions:
Tyrosinemia type III. Also called: Tyrosinemia type 3; 4-alpha hydroxyphenylpyruvic acid oxidase deficiency; 4-alpha hydroxyphenylpyruvate dioxygenase deficiency; 4-Hydroxyphenylpyruvate dioxygenase deficiency; 4-HYDROXYPHENYLPYRUVIC ACID OXIDASE DEFICIENCY. Identifiers: Orphanet 69723, MedGen C0268623, MONDO:0010162, OMIM 276710.
Hawkinsinuria. Identifiers: Orphanet 2118, MedGen C2931042, MONDO:0007700, OMIM 140350, HP:0034457.

Submission:

Labcorp Genetics (formerly Invitae), Labcorp
Classification: Pathogenic for Tyrosinemia type III; Hawkinsinuria. Last evaluated: 2024-02-01. Review status: criteria provided, single submitter. Criteria: Invitae Variant Classification Sherloc (09022015). Collection method: clinical testing. Allele origin: germline.
Comment: This sequence change creates a premature translational stop signal (p.Gly285Profs*30) in the HPD gene. It is expected to result in an absent or disrupted protein product. Loss-of-function variants in HPD are known to be pathogenic (PMID: 10942115, 23036342). The frequency data for this variant in the population databases is considered unreliable, as metrics indicate poor data quality at this position in the gnomAD database. This variant has not been reported in the literature in individuals affected with HPD-related conditions. ClinVar contains an entry for this variant (Variation ID: 953791). For these reasons, this variant has been classified as Pathogenic.

Literature cited by the submitters: PubMed 10942115; PubMed 23036342.

NM_002150.3(HPD):c.852_853del (p.Gly285fs)

Genes: HPD (4-hydroxyphenylpyruvate dioxygenase; minus strand), TIALD (transcript inducer of AURKA lysosomal degradation; plus strand). Cytogenetic location: 12q24.31.
Variant type: Microsatellite.
Coding change: c.852_853del on transcript NM_002150.3 (MANE Select); coding-DNA positions 852 to 853, 2 bases deleted (AG; older notation c.852_853delAG).
Protein change: p.Gly285fs; shifts the reading frame from glycine 285.
Molecular consequence: frameshift variant.
Genome position (GRCh38, 1-based): chr12:121,843,811-121,843,812, CT deleted on the plus strand (AG on the coding strand, the reverse complement: HPD is on the minus strand); deleting any 2 consecutive bases within chr12:121,843,811-121,843,821 gives the same sequence; the c. name uses the placement nearest the transcript's 3' end. VCF-style (leftmost placement, unchanged base first): chr12-121843810-CCT-C. GRCh37 (hg19) VCF-style: chr12-122281716-CCT-C.
Other names: c.735_736del, p.Gly246fs (NM_001171993.2); short protein forms G285fs, G246fs.
Identifiers: ClinVar variation 953791 (VCV000953791.7), dbSNP rs142252243, ClinGen allele CA6839499.